The following is an entry in ClinVar:

ClinVar aggregate classification (germline): Uncertain significance (1 of 4 stars; one submission).

Conditions:
Charcot-Marie-Tooth disease type 2. Also called: Charcot-Marie-Tooth type 2. Identifiers: Orphanet 64746, MedGen C0270914, MONDO:0018993.

Submission:

Labcorp Genetics (formerly Invitae), Labcorp
Classification: Uncertain significance for Charcot-Marie-Tooth disease type 2. Last evaluated: 2022-05-08. Review status: criteria provided, single submitter. Criteria: Invitae Variant Classification Sherloc (09022015). Collection method: clinical testing. Allele origin: germline.
Comment: Algorithms developed to predict the effect of missense changes on protein structure and function are either unavailable or do not agree on the potential impact of this missense change (SIFT: "Deleterious"; PolyPhen-2: "Benign"; Align-GVGD: "Class C0"). In summary, the available evidence is currently insufficient to determine the role of this variant in disease. Therefore, it has been classified as a Variant of Uncertain Significance. This variant is not present in population databases (gnomAD no frequency). This variant has not been reported in the literature in individuals affected with GARS-related conditions. This sequence change replaces serine, which is neutral and polar, with cysteine, which is neutral and slightly polar, at codon 470 of the GARS protein (p.Ser470Cys).

NM_002047.4(GARS1):c.1409C>G (p.Ser470Cys)

Gene: GARS1 (glycyl-tRNA synthetase 1; plus strand). Cytogenetic location: 7p14.3.
Variant type: single nucleotide variant.
Coding change: c.1409C>G on transcript NM_002047.4 (MANE Select); coding-DNA position 1409, C replaced by G.
Protein change: p.Ser470Cys; replaces serine 470 with cysteine.
Molecular consequence: missense variant.
Genome position (GRCh38, 1-based): chr7:30,621,442, C>G. VCF-style: chr7-30621442-C-G. GRCh37 (hg19) VCF-style: chr7-30661058-C-G.
Other names: c.1247C>G, p.Ser416Cys (NM_001316772.1); short protein forms S470C, S416C.
Identifiers: ClinVar variation 2135699 (VCV002135699.4), dbSNP rs1783004842, ClinGen allele CA367128168.